The following is an entry in ClinVar:

NM_014423.4(AFF4):c.445C>A (p.Gln149Lys)

Gene: AFF4 (ALF transcription elongation factor 4; minus strand). Cytogenetic location: 5q31.1.
Variant type: single nucleotide variant.
Coding change: c.445C>A on transcript NM_014423.4 (MANE Select); coding-DNA position 445, C replaced by A.
Protein change: p.Gln149Lys; replaces glutamine 149 with lysine.
Molecular consequence: missense variant.
Genome position (GRCh38, 1-based): chr5:132,934,620, G>T on the plus strand (C>A on the coding strand, the complement: AFF4 is on the minus strand). VCF-style: chr5-132934620-G-T. GRCh37 (hg19) VCF-style: chr5-132270312-G-T.
Other names: short protein forms Q149K.
Identifiers: ClinVar variation 4819007 (VCV004819007.1).

ClinVar aggregate classification (germline): Uncertain significance (1 of 4 stars; one submission).

Conditions:
Cognitive impairment - coarse facies - heart defects - obesity - pulmonary involvement - short stature - skeletal dysplasia syndrome. Also called: COGNITIVE IMPAIRMENT, COARSE FACIES, HEART DEFECTS, OBESITY, PULMONARY INVOLVEMENT, SHORT STATURE, AND SKELETAL DYSPLASIA; Chops syndrome; AFF4-Related CHOPS Syndrome. Identifiers: Orphanet 444077, MedGen C4085597, MONDO:0014609, OMIM 616368.

Submission:

Victorian Clinical Genetics Services, Murdoch Childrens Research Institute
Classification: Uncertain significance for Cognitive impairment - coarse facies - heart defects - obesity - pulmonary involvement - short stature - skeletal dysplasia syndrome. Last evaluated: 2026-01-05. Review status: criteria provided, single submitter. Criteria: ACMG Guidelines, 2015. Collection method: clinical testing. Allele origin: germline. Affected: yes.
Comment: This variant is classified as VUS-3C. Evidence in support of pathogenic classification: Variant is absent from gnomAD (v2, v3 and v4). Additional information: Variant is predicted to result in a missense amino acid change from Gln to Lys; This variant is heterozygous; This gene is associated with autosomal dominant disease; This variant has no previous evidence of pathogenicity; No published evidence of segregation with disease has been identified for this variant; No published functional evidence has been identified for this variant; Another missense variant(s) comparable to the one identified in this case has inconclusive previous evidence for pathogenicity. p.(Gln149Arg) has been classified as a VUS by a clinical laboratory in ClinVar; Variant is located in the annotated AF-4 domain (DECIPHER); Missense variant with inconclusive in silico prediction and/or uninformative conservation; Gain of function is a known mechanism of disease in this gene and is associated with CHOPS syndrome (MIM#616368) (PMID: 25730767).

Literature cited by the submitters: PubMed 25730767.